The following is an entry in ClinVar:

NM_001025389.2(AMPD3):c.283G>A (p.Asp95Asn)

Gene: AMPD3 (adenosine monophosphate deaminase 3; plus strand). Cytogenetic location: 11p15.4.
Variant type: single nucleotide variant.
Coding change: c.283G>A on transcript NM_001025389.2 (MANE Select); coding-DNA position 283, G replaced by A.
Protein change: p.Asp95Asn; replaces aspartic acid 95 with asparagine.
Molecular consequence: missense variant. On other transcripts: intron variant (1).
Genome position (GRCh38, 1-based): chr11:10,478,587, G>A. VCF-style: chr11-10478587-G-A. GRCh37 (hg19) VCF-style: chr11-10500134-G-A.
Other names: c.310G>A, p.Asp104Asn (NM_000480.3); c.304G>A, p.Asp102Asn (NM_001025390.2); c.283G>A, p.Asp95Asn (NM_001172430.1); c.-51-3476G>A (NM_001172431.2); short protein forms D104N, D95N, D102N.
Identifiers: ClinVar variation 302148 (VCV000302148.7), dbSNP rs149433198, ClinGen allele CA5882575.

ClinVar aggregate classification (germline): Uncertain significance. Review status: criteria provided, single submitter (1 of 4 stars). 2 submissions from 2 submitters: Uncertain significance (1). 1 of the submissions does not count toward it. Last evaluated 2018-01-12.

Conditions:
Erythrocyte AMP deaminase deficiency. Identifiers: Orphanet 45, MedGen C2752073, OMIM 612874, MONDO:0020734.
AMPD3-related disorder. Also called: AMPD3-related condition.

Allele frequency attached by ClinVar (database versions not stated): gnomAD exomes 0.00047 and 0.00097; TOPMed 0.00055; ESP Exome Variant Server 0.00069; gnomAD 0.00056 and 0.00060; ExAC 0.00067.
gnomAD v4.1: 831 of 1,614,084 alleles (0.051%); highest among the groups gnomAD compares: Non-Finnish European, 0.0092%; 9 homozygotes.

Submissions (2):

Illumina Laboratory Services, Illumina
Classification: Uncertain significance for Erythrocyte AMP deaminase deficiency. Last evaluated: 2018-01-12. Review status: criteria provided, single submitter. Criteria: ICSL Variant Classification Criteria 13 December 2019. Collection method: clinical testing. Allele origin: germline.

PreventionGenetics, part of Exact Sciences
Classification: Likely benign for AMPD3-related condition. Last evaluated: 2019-06-18. Review status: no assertion criteria provided. Collection method: clinical testing. Allele origin: germline. Not counted in ClinVar's aggregate classification.
Comment: This variant is classified as likely benign based on ACMG/AMP sequence variant interpretation guidelines (Richards et al. 2015 PMID: 25741868, with internal and published modifications).